The following is an entry in ClinVar:

NM_000551.4(VHL):c.293A>C (p.Tyr98Ser)

Gene: VHL (von Hippel-Lindau tumor suppressor; plus strand). Cytogenetic location: 3p25.3.
Variant type: single nucleotide variant.
Coding change: c.293A>C on transcript NM_000551.4 (MANE Select); coding-DNA position 293, A replaced by C.
Protein change: p.Tyr98Ser; replaces tyrosine 98 with serine.
Molecular consequence: missense variant.
Genome position (GRCh38, 1-based): chr3:10,142,140, A>C. VCF-style: chr3-10142140-A-C. GRCh37 (hg19) VCF-style: chr3-10183824-A-C.
Other names: c.293A>C, p.Tyr98Ser (NM_001354723.2, NM_198156.3); short protein forms Y98S.
Identifiers: ClinVar variation 219160 (VCV000219160.13), dbSNP rs864321643, ClinGen allele CA279916.

ClinVar aggregate classification (germline): Pathogenic/Likely pathogenic. Review status: criteria provided, multiple submitters, no conflicts (2 of 4 stars). 5 submissions from 5 submitters: Pathogenic (2); Likely pathogenic (1). 2 of the submissions do not count toward it. Last evaluated 2026-06-16.

Conditions:
Chuvash polycythemia. Also called: POLYCYTHEMIA, VHL-DEPENDENT. Identifiers: Orphanet 238557, MedGen C1837915, MONDO:0009892, OMIM 263400.
Von Hippel-Lindau syndrome (VHLS). Also called: VHL syndrome; Von Hippel-Lindau; von Hippel–Lindau syndrome. Identifiers: Orphanet 892, MedGen C0019562, MONDO:0008667, OMIM 193300. Disease mechanism: loss of function.
Hereditary cancer-predisposing syndrome. Also called: Tumor predisposition; Neoplastic Syndromes, Hereditary; Hereditary Cancer Syndrome; Hereditary neoplastic syndrome. Identifiers: Orphanet 140162, MedGen C0027672, MeSH D009386, MONDO:0015356.
Pheochromocytoma. Also called: MAX-Related Hereditary Paraganglioma-Pheochromocytoma Syndrome. Identifiers: Orphanet 29072, MedGen C0031511, MONDO:0008233, OMIM 171300, HP:0002666.

Submissions (5):

Ambry Genetics
Classification: Pathogenic for Hereditary cancer-predisposing syndrome. Last evaluated: 2026-06-16. Review status: criteria provided, single submitter. Criteria: Ambry Variant Classification Scheme 2023. Collection method: clinical testing. Allele origin: germline.
Comment: The p.Y98S pathogenic mutation (also known as c.293A>C), located in coding exon 1 of the VHL gene, results from an A to C substitution at nucleotide position 293. The tyrosine at codon 98 is replaced by serine, an amino acid with dissimilar properties. This variant was reported in individual(s) with features consistent with von Hippel-Lindau syndrome (VHL) (Pandit R et al. Eur. J. Endocrinol. 2016 Oct;175:311-23; Khadilkar K et al. J Pediatr Endocrinol Metab, 2017 May;30:575-581; Peng S et al. Oncotarget. 2017 Jun;8:38456-38465; Lomte N et al. Fam Cancer, 2018 07;17:441-449). This variant was determined to be functionally deleterious in one saturation genome editing assay (Buckley M et al. Nat Genet, 2024 Jul;56:1446-1455). Other variant(s) at the same codon, p.Y98H (c.292T>C), have been identified in individual(s) with features consistent with von Hippel-Lindau syndrome (VHL) (Crossey PA et al. Hum Mol Genet. 1994 Aug;3:1303-8; Neumann HP et al. N Engl J Med. 2002 May;346:1459-66; Gallou C et al. Hum. Mutat. 2004 Sep;24:215-24; Boedeker CC et al. J. Clin. Endocrinol. Metab. 2009 Jun;94:1938-44; Erlic Z et al. Endocr Relat Cancer. 2010 Dec;17:875-83; Nielsen SM et al. Am J Med Genet A. 2011 Jan;155A:168-73; Klingler JH et al. J Stroke Cerebrovasc Dis. 2013 May;22:437-43; Huang KL et al. Cell. 2018 04;173:355-370.e14; Liu P et al. Gland Surg, 2019 Aug;8:343-353). This amino acid position is highly conserved in available vertebrate species. In addition, this alteration is predicted to be deleterious by in silico analysis. This variant is considered to be rare based on population cohorts in the Genome Aggregation Database (gnomAD). Based on the supporting evidence, this variant is interpreted as a disease-causing mutation.

GeneDx
Classification: Likely pathogenic. Last evaluated: 2024-03-19. Review status: criteria provided, single submitter. Criteria: GeneDx Variant Classification Process June 2021. Collection method: clinical testing. Allele origin: germline. Affected: yes.
Comment: Not observed at significant frequency in large population cohorts (gnomAD); In silico analysis supports that this missense variant has a deleterious effect on protein structure/function; Also known as c.506A>C; p.(Y169S); This variant is associated with the following publications: (PMID: 27539324, 28388566, 29124493, 28432847)

Labcorp Genetics (formerly Invitae), Labcorp
Classification: Pathogenic for Von Hippel-Lindau syndrome; Chuvash polycythemia. Last evaluated: 2022-10-17. Review status: criteria provided, single submitter. Criteria: Invitae Variant Classification Sherloc (09022015). Collection method: clinical testing. Allele origin: germline.
Comment: ClinVar contains an entry for this variant (Variation ID: 219160). This missense change has been observed in individuals with von Hippel-Lindau (VHL) syndrome (PMID: 27539324, 28388566, 29124493). It has also been observed to segregate with disease in related individuals. This variant is not present in population databases (gnomAD no frequency). This sequence change replaces tyrosine, which is neutral and polar, with serine, which is neutral and polar, at codon 98 of the VHL protein (p.Tyr98Ser). For these reasons, this variant has been classified as Pathogenic. This variant disrupts the p.Tyr98 amino acid residue in VHL. Other variant(s) that disrupt this residue have been determined to be pathogenic (PMID: 7728151, 7759077, 10408776, 11483638, 19336503, 19763184, 21204227). This suggests that this residue is clinically significant, and that variants that disrupt this residue are likely to be disease-causing. Advanced modeling of protein sequence and biophysical properties (such as structural, functional, and spatial information, amino acid conservation, physicochemical variation, residue mobility, and thermodynamic stability) performed at Invitae indicates that this missense variant is expected to disrupt VHL protein function.

Genomic Diagnostic Laboratory, Division of Genomic Diagnostics, Children's Hospital of Philadelphia
Classification: Uncertain significance for Von Hippel-Lindau syndrome. Last evaluated: 2016-02-26. Review status: no assertion criteria provided. Collection method: clinical testing. Allele origin: germline. Observed: 4 variant alleles. Not counted in ClinVar's aggregate classification.

Endocrinology Clinic, Seth G.S. Medical College
Classification: Likely pathogenic for Pheochromocytoma. Last evaluated: 2015-12-01. Review status: no assertion criteria provided. Collection method: research. Allele origin: germline. Inheritance: Autosomal dominant inheritance. Affected: yes. Study: Spectrum of Germline Mutations in Indian Patients with Pheochromocytoma/ Paraganglioma (PHEO/PGL). Not counted in ClinVar's aggregate classification.

Literature cited by the submitters: PubMed 27539324 (cited by Ambry Genetics and Labcorp Genetics (formerly Invitae), Labcorp); PubMed 28388566 (cited by Ambry Genetics and Labcorp Genetics (formerly Invitae), Labcorp); PubMed 28432847 (cited by Ambry Genetics); PubMed 29124493 (cited by Ambry Genetics and Labcorp Genetics (formerly Invitae), Labcorp); PubMed 38969834 (cited by Ambry Genetics); PubMed 39722564 (cited by Ambry Genetics); PubMed 7728151 (cited by Labcorp Genetics (formerly Invitae), Labcorp); PubMed 7759077 (cited by Labcorp Genetics (formerly Invitae), Labcorp); PubMed 10408776 (cited by Labcorp Genetics (formerly Invitae), Labcorp); PubMed 11483638 (cited by Labcorp Genetics (formerly Invitae), Labcorp); PubMed 19336503 (cited by Labcorp Genetics (formerly Invitae), Labcorp); PubMed 19763184 (cited by Labcorp Genetics (formerly Invitae), Labcorp); PubMed 21204227 (cited by Labcorp Genetics (formerly Invitae), Labcorp).